The following is an entry in ClinVar:

NM_000548.5(TSC2):c.4978G>A (p.Gly1660Ser)

Gene: TSC2 (TSC complex subunit 2; plus strand). Cytogenetic location: 16p13.3.
Variant type: single nucleotide variant.
Coding change: c.4978G>A on transcript NM_000548.5 (MANE Select); coding-DNA position 4978, G replaced by A.
Protein change: p.Gly1660Ser; replaces glycine 1660 with serine.
Molecular consequence: missense variant. On other transcripts: non-coding transcript variant (5).
Genome position (GRCh38, 1-based): chr16:2,086,860, G>A. VCF-style: chr16-2086860-G-A. GRCh37 (hg19) VCF-style: chr16-2136861-G-A.
Other names: c.4777G>A, p.Gly1593Ser (NM_001077183.3); c.4909G>A, p.Gly1637Ser (NM_001114382.3); c.4669G>A, p.Gly1557Ser (NM_001318827.2); c.4633G>A, p.Gly1545Ser (NM_001318829.2); c.4246G>A, p.Gly1416Ser (NM_001318831.2); c.4810G>A, p.Gly1604Ser (NM_001318832.2); c.4780G>A, p.Gly1594Ser (NM_001363528.2); c.4846G>A, p.Gly1616Ser (NM_001370404.1); and 26 more; short protein forms G1146S, G1393S, G1436S, G1574S, G1590S, G1623S, G1659S, G1189S.
Identifiers: ClinVar variation 2564728 (VCV002564728.2), dbSNP rs770797937, ClinGen allele CA394309153.

ClinVar aggregate classification (germline): Uncertain significance (1 of 4 stars; one submission).

Conditions:
Hereditary cancer-predisposing syndrome. Also called: Neoplastic Syndromes, Hereditary; Hereditary Cancer Syndrome; Hereditary neoplastic syndrome; Tumor predisposition. Identifiers: Orphanet 140162, MedGen C0027672, MeSH D009386, MONDO:0015356.

Submission:

Ambry Genetics
Classification: Uncertain significance for Hereditary cancer-predisposing syndrome. Last evaluated: 2023-05-12. Review status: criteria provided, single submitter. Criteria: Ambry Variant Classification Scheme 2023. Collection method: clinical testing. Allele origin: germline.
Comment: The p.G1660S variant (also known as c.4978G>A), located in coding exon 37 of the TSC2 gene, results from a G to A substitution at nucleotide position 4978. The glycine at codon 1660 is replaced by serine, an amino acid with similar properties. This amino acid position is conserved. In addition, this alteration is predicted to be deleterious by in silico analysis. Since supporting evidence is limited at this time, the clinical significance of this alteration remains unclear.